The following is an entry in ClinVar:

NM_001042517.2(DIAPH3):c.146G>A (p.Gly49Asp)

Gene: DIAPH3 (diaphanous related formin 3; minus strand). Cytogenetic location: 13q21.2.
Variant type: single nucleotide variant.
Coding change: c.146G>A on transcript NM_001042517.2 (MANE Select); coding-DNA position 146, G replaced by A.
Protein change: p.Gly49Asp; replaces glycine 49 with aspartic acid.
Molecular consequence: missense variant.
Genome position (GRCh38, 1-based): chr13:60,163,621, C>T on the plus strand (G>A on the coding strand, the complement: DIAPH3 is on the minus strand). VCF-style: chr13-60163621-C-T. GRCh37 (hg19) VCF-style: chr13-60737755-C-T.
Other names: c.146G>A, p.Gly49Asp (NM_001258366.2, NM_001258367.2, NM_001258368.2 and 1 more transcripts); short protein forms G49D.
Identifiers: ClinVar variation 722548 (VCV000722548.9), dbSNP rs200345616, ClinGen allele CA6997106.

ClinVar aggregate classification (germline): Benign/Likely benign. Review status: criteria provided, multiple submitters, no conflicts (2 of 4 stars). 3 submissions from 3 submitters: Benign (1); Likely benign (1). 1 of the submissions does not count toward it. Last evaluated 2024-10-29.

Conditions:
DIAPH3-related disorder. Also called: DIAPH3-related condition.

Allele frequency attached by ClinVar (database versions not stated): TOPMed 0.00012; ESP Exome Variant Server 0.00017; gnomAD exomes 0.00060 and 0.00139; 1000 Genomes Project 30x 0.00062; gnomAD 0.00116 and 0.00121; 1000 Genomes Project 0.00120; ExAC 0.00151.
gnomAD v4.1: 1,061 of 1,604,644 alleles (0.066%); highest among the groups gnomAD compares: Non-Finnish European, 0.018%; 6 homozygotes.

Submissions (3):

Blueprint Genetics
Classification: Likely benign. Last evaluated: 2024-10-29. Review status: criteria provided, single submitter. Criteria: ACMG Guidelines, 2015. Collection method: clinical testing. Allele origin: germline.

Labcorp Genetics (formerly Invitae), Labcorp
Classification: Benign. Last evaluated: 2024-08-21. Review status: criteria provided, single submitter. Criteria: Invitae Variant Classification Sherloc (09022015). Collection method: clinical testing. Allele origin: germline.

PreventionGenetics, part of Exact Sciences
Classification: Benign for DIAPH3-related condition. Last evaluated: 2020-10-27. Review status: no assertion criteria provided. Collection method: clinical testing. Allele origin: germline. Not counted in ClinVar's aggregate classification.
Comment: This variant is classified as benign based on ACMG/AMP sequence variant interpretation guidelines (Richards et al. 2015 PMID: 25741868, with internal and published modifications).